The following is an entry in ClinVar:

NM_003922.4(HERC1):c.6111G>A (p.Pro2037=)

Gene: HERC1 (HECT and RLD domain containing E3 ubiquitin protein ligase family member 1; minus strand). Cytogenetic location: 15q22.31.
Variant type: single nucleotide variant.
Coding change: c.6111G>A on transcript NM_003922.4 (MANE Select); coding-DNA position 6111, G replaced by A.
Protein change: p.Pro2037=; no amino-acid change (proline 2037 retained).
Molecular consequence: synonymous variant.
Genome position (GRCh38, 1-based): chr15:63,686,473, C>T on the plus strand (G>A on the coding strand, the complement: HERC1 is on the minus strand). VCF-style: chr15-63686473-C-T. GRCh37 (hg19) VCF-style: chr15-63978672-C-T.
Identifiers: ClinVar variation 3239297 (VCV003239297.19), dbSNP rs746436807.
Genomic context (GRCh38, chr15:63,686,473, plus strand): 5'-CCCTCCACTGCCGTGAGTTAAAATCTGTCCATTCTCCACTAGGCAACACTGAGCTTTCTC[C>T]GGGTCAAAGGATACTTCTTGGATAGGAAGATTCTCATCTTCTTCTTCCAACTCGCCCTGC-3'
Protein context (NP_003913.3, residues 2027-2047): NLPIQEVSFD[Pro2037=]EKAQCCLVEN

ClinVar aggregate classification (germline): Likely benign (1 of 4 stars; one submission).

Allele frequency attached by ClinVar (database versions not stated): ExAC 0.00001; gnomAD exomes 0.00001.
gnomAD v4.1: 8 of 1,613,780 alleles (0.0005%); highest among the groups gnomAD compares: East Asian, 0.0045%; no homozygotes.

Submission:

CeGaT Center for Human Genetics Tuebingen
Classification: Likely benign. Last evaluated: 2024-05-01. Review status: criteria provided, single submitter. Criteria: CeGaT Center For Human Genetics Tuebingen Variant Classification Criteria Version 2. Collection method: clinical testing. Allele origin: germline. Affected: yes. Observed: 1 variant allele.
Comment: HERC1: BP4, BP7